The following is an entry in ClinVar:

NM_001122681.2(SH3BP2):c.761C>G (p.Ser254Cys)

Gene: SH3BP2 (SH3 domain binding protein 2; plus strand). Cytogenetic location: 4p16.3.
Variant type: single nucleotide variant.
Coding change: c.761C>G on transcript NM_001122681.2 (MANE Select); coding-DNA position 761, C replaced by G.
Protein change: p.Ser254Cys; replaces serine 254 with cysteine.
Molecular consequence: missense variant.
Genome position (GRCh38, 1-based): chr4:2,829,667, C>G. VCF-style: chr4-2829667-C-G. GRCh37 (hg19) VCF-style: chr4-2831394-C-G.
Other names: c.845C>G, p.Ser282Cys (NM_001145855.2); c.932C>G, p.Ser311Cys (NM_001145856.2); c.761C>G, p.Ser254Cys (NM_003023.4); short protein forms S254C, S282C, S311C.
Identifiers: ClinVar variation 2000516 (VCV002000516.4), dbSNP rs2530349094, ClinGen allele CA356056074.
Genomic context (GRCh38, chr4:2,829,667, plus strand): 5'-TACTGCCACCCCCGCCCCCTAAGCACGGCCTCCCAGATGTTGGCCTGGCTGCTGAGGACT[C>G]CAAGAGGGACCCACTGTGCCCGAGGCGGGCTGAGCCTTGCCCCAGGGTACCTGCTACCCC-3'
Protein context (NP_001116153.1, residues 244-264): LPDVGLAAED[Ser254Cys]KRDPLCPRRA

ClinVar aggregate classification (germline): Uncertain significance (1 of 4 stars; one submission).

Conditions:
Fibrous dysplasia of jaw (CRBM). Also called: Cherubism. Identifiers: Orphanet 184, MedGen C0008029, MONDO:0007315, OMIM 118400.

Submission:

Labcorp Genetics (formerly Invitae), Labcorp
Classification: Uncertain significance for Fibrous dysplasia of jaw. Last evaluated: 2023-06-06. Review status: criteria provided, single submitter. Criteria: Invitae Variant Classification Sherloc (09022015). Collection method: clinical testing. Allele origin: germline.
Comment: This variant has not been reported in the literature in individuals affected with SH3BP2-related conditions. This variant is not present in population databases (gnomAD no frequency). This sequence change replaces serine, which is neutral and polar, with cysteine, which is neutral and slightly polar, at codon 254 of the SH3BP2 protein (p.Ser254Cys). ClinVar contains an entry for this variant (Variation ID: 2000516). In summary, the available evidence is currently insufficient to determine the role of this variant in disease. Therefore, it has been classified as a Variant of Uncertain Significance. Advanced modeling of protein sequence and biophysical properties (such as structural, functional, and spatial information, amino acid conservation, physicochemical variation, residue mobility, and thermodynamic stability) performed at Invitae indicates that this missense variant is not expected to disrupt SH3BP2 protein function.